The following is an entry in ClinVar:

NM_001085049.3(MRAS):c.28A>G (p.Asn10Asp)

Gene: MRAS (muscle RAS oncogene homolog; plus strand). Cytogenetic location: 3q22.3.
Variant type: single nucleotide variant.
Coding change: c.28A>G on transcript NM_001085049.3 (MANE Select); coding-DNA position 28, A replaced by G.
Protein change: p.Asn10Asp; replaces asparagine 10 with aspartic acid.
Molecular consequence: missense variant. On other transcripts: intron variant (3).
Genome position (GRCh38, 1-based): chr3:138,372,911, A>G. VCF-style: chr3-138372911-A-G. GRCh37 (hg19) VCF-style: chr3-138091753-A-G.
Other names: c.28A>G, p.Asn10Asp (NM_001252090.2, NM_012219.4); c.-35-24413A>G (NM_001252091.1); c.-36+24144A>G (NM_001252093.2); c.-36+23879A>G (NM_001252092.2); short protein forms N10D.
Identifiers: ClinVar variation 4795746 (VCV004795746.1).
Genomic context (GRCh38, chr3:138,372,911, plus strand): 5'-GTCTTGCTGCCGCAGGTCTGACCTACGAGAAACATGGCAACCAGCGCCGTCCCCAGTGAC[A>G]ACCTCCCCACATACAAGCTGGTGGTGGTGGGGGATGGGGGTGTGGGCAAAAGTGCCCTCA-3'
Protein context (NP_001078518.1, residues 1-20): MATSAVPSD[Asn10Asp]LPTYKLVVVG

ClinVar aggregate classification (germline): Uncertain significance (1 of 4 stars; one submission).

gnomAD v4.1: 2 of 1,547,332 alleles (0.00013%); highest among the groups gnomAD compares: Middle Eastern, 0.02%; no homozygotes.

Submission:

GeneDx
Classification: Uncertain significance. Last evaluated: 2025-08-10. Review status: criteria provided, single submitter. Criteria: GeneDx Variant Classification Process June 2021. Collection method: clinical testing. Allele origin: germline. Affected: yes.
Comment: Not observed at significant frequency in large population cohorts (gnomAD); In silico analysis supports that this missense variant has a deleterious effect on protein structure/function; Has not been previously published as pathogenic or benign to our knowledge